The following is an entry in ClinVar:

NM_001145809.2(MYH14):c.2570G>A (p.Gly857Glu)

Gene: MYH14 (myosin heavy chain 14; plus strand). Cytogenetic location: 19q13.33.
Variant type: single nucleotide variant.
Coding change: c.2570G>A on transcript NM_001145809.2 (MANE Select); coding-DNA position 2570, G replaced by A.
Protein change: p.Gly857Glu; replaces glycine 857 with glutamic acid.
Molecular consequence: missense variant.
Genome position (GRCh38, 1-based): chr19:50,261,620, G>A. VCF-style: chr19-50261620-G-A. GRCh37 (hg19) VCF-style: chr19-50764877-G-A.
Other names: c.2471G>A, p.Gly824Glu (NM_001077186.2); c.2447G>A, p.Gly816Glu (NM_024729.4); short protein forms G816E, G824E, G857E.
Identifiers: ClinVar variation 2650308 (VCV002650308.24), dbSNP rs765347682, ClinGen allele CA9592985.

ClinVar aggregate classification (germline): Uncertain significance (1 of 4 stars; one submission).

Allele frequency attached by ClinVar (database versions not stated): gnomAD exomes below 0.00001; ExAC 0.00002.
gnomAD v4.1: 2 of 1,598,986 alleles (0.00013%); highest among the groups gnomAD compares: East Asian, 0.0046%; no homozygotes.

Submission:

CeGaT Center for Human Genetics Tuebingen
Classification: Uncertain significance. Last evaluated: 2022-05-01. Review status: criteria provided, single submitter. Criteria: CeGaT Center For Human Genetics Tuebingen Variant Classification Criteria Version 2. Collection method: clinical testing. Allele origin: germline. Affected: yes. Observed: 1 variant allele.
Comment: MYH14: PM2, PP3